The following is an entry in ClinVar:

NM_032108.4(SEMA6B):c.1952T>G (p.Val651Gly)

Gene: SEMA6B (semaphorin 6B; minus strand). Cytogenetic location: 19p13.3.
Variant type: single nucleotide variant.
Coding change: c.1952T>G on transcript NM_032108.4 (MANE Select); coding-DNA position 1952, T replaced by G.
Protein change: p.Val651Gly; replaces valine 651 with glycine.
Molecular consequence: missense variant.
Genome position (GRCh38, 1-based): chr19:4,544,316, A>C on the plus strand (T>G on the coding strand, the complement: SEMA6B is on the minus strand). VCF-style: chr19-4544316-A-C. GRCh37 (hg19) VCF-style: chr19-4544328-A-C.
Other names: short protein forms V651G.
Identifiers: ClinVar variation 5008061 (VCV005008061.1).
Genomic context (GRCh38, chr19:4,544,316, plus strand): 5'-CCGCCACCGCCTCCGCCCCGGCCCCCGGGACCCTGCGCCCTGCGCTCGCCCAGGCGGCTG[A>C]CGCTCAGCACCGCCTCGCCCGCCCCGTGCGCCAGGATGGCCTCCTTGTCCTTGCGCCGGG-3'
Protein context (NP_115484.2, residues 641-661): AHGAGEAVLS[Val651Gly]SRLGERRAQG

ClinVar aggregate classification (germline): Uncertain significance (1 of 4 stars; one submission).

Submission:

GeneDx
Classification: Uncertain significance. Last evaluated: 2026-03-02. Review status: criteria provided, single submitter. Criteria: GeneDx Variant Classification Process June 2021. Collection method: clinical testing. Allele origin: germline.
Comment: Not observed at significant frequency in large population cohorts (gnomAD); In silico analysis supports that this missense variant has a deleterious effect on protein structure/function; Has not been previously published as pathogenic or benign to our knowledge